The following is an entry in ClinVar:

ClinVar aggregate classification (germline): Uncertain significance (1 of 4 stars; one submission).

Conditions:
Microcephaly, normal intelligence and immunodeficiency (NBS). Also called: Ataxia telangiectasia variant V1; Nijmegen breakage syndrome; Immunodeficiency, microcephaly with normal intelligence; IMMUNODEFICIENCY, MICROCEPHALY, AND CHROMOSOMAL INSTABILITY; SEEMANOVA SYNDROME II; BERLIN BREAKAGE SYNDROME. Identifiers: Orphanet 647, MedGen C0398791, MONDO:0009623, OMIM 251260.

Submission:

Labcorp Genetics (formerly Invitae), Labcorp
Classification: Uncertain significance for Microcephaly, normal intelligence and immunodeficiency. Last evaluated: 2021-08-30. Review status: criteria provided, single submitter. Criteria: Invitae Variant Classification Sherloc (09022015). Collection method: clinical testing. Allele origin: germline.
Comment: This sequence change replaces threonine with serine at codon 55 of the NBN protein (p.Thr55Ser). The threonine residue is moderately conserved and there is a small physicochemical difference between threonine and serine. This variant is not present in population databases (ExAC no frequency). This variant has not been reported in the literature in individuals affected with NBN-related conditions. Algorithms developed to predict the effect of missense changes on protein structure and function (SIFT, PolyPhen-2, Align-GVGD) all suggest that this variant is likely to be tolerated. Algorithms developed to predict the effect of sequence changes on RNA splicing suggest that this variant may create or strengthen a splice site. In summary, the available evidence is currently insufficient to determine the role of this variant in disease. Therefore, it has been classified as a Variant of Uncertain Significance.

NM_002485.5(NBN):c.164C>G (p.Thr55Ser)

Gene: NBN (nibrin; minus strand). Cytogenetic location: 8q21.3.
Variant type: single nucleotide variant.
Coding change: c.164C>G on transcript NM_002485.5 (MANE Select); coding-DNA position 164, C replaced by G.
Protein change: p.Thr55Ser; replaces threonine 55 with serine.
Molecular consequence: missense variant. On other transcripts: 5 prime UTR variant (1).
Genome position (GRCh38, 1-based): chr8:89,982,729, G>C on the plus strand (C>G on the coding strand, the complement: NBN is on the minus strand). VCF-style: chr8-89982729-G-C. GRCh37 (hg19) VCF-style: chr8-90994957-G-C.
Other names: c.-133C>G (NM_001024688.3); short protein forms T55S.
Identifiers: ClinVar variation 835954 (VCV000835954.7), dbSNP rs1812127566, ClinGen allele CA371662901.
Genomic context (GRCh38, chr8:89,982,729, plus strand): 5'-TTGTGATTTCAACCCCCTTACTGGAAACTAGTGAAATAAAATTAGTAACATACCAGGTTG[G>C]TTACAGAAAAGTTAGCAGTTAACACAGCATGATTTCGGCTGATCGACTGATCATTTTCAA-3'
Protein context (NP_002476.2, residues 45-65): HAVLTANFSV[Thr55Ser]NLSQTDEIPV